The following is an entry in ClinVar:

NM_003737.4(DCHS1):c.8686C>T (p.Arg2896Trp)

Gene: DCHS1 (dachsous cadherin-related 1; minus strand). Cytogenetic location: 11p15.4.
Variant type: single nucleotide variant.
Coding change: c.8686C>T on transcript NM_003737.4 (MANE Select); coding-DNA position 8686, C replaced by T.
Protein change: p.Arg2896Trp; replaces arginine 2896 with tryptophan.
Molecular consequence: missense variant.
Genome position (GRCh38, 1-based): chr11:6,622,990, G>A on the plus strand (C>T on the coding strand, the complement: DCHS1 is on the minus strand). VCF-style: chr11-6622990-G-A. GRCh37 (hg19) VCF-style: chr11-6644221-G-A.
Other names: short protein forms R2896W.
Identifiers: ClinVar variation 3080459 (VCV003080459.2), dbSNP rs751381215, ClinGen allele CA5859376.
Genomic context (GRCh38, chr11:6,622,990, plus strand): 5'-CTGTGGCACTCCGGGAACCAGGCAGAGGCCCCCGTGCTATCACCTCCAGCCTCAGCTCCC[G>A]TGGTGCTTCCCGCCGGGTCCGGCCCCCACCCCCAGAGGTGGCTGTTCCGCTGCCTGGTGC-3'
Protein context (NP_003728.1, residues 2886-2906): GGGRTRREAP[Arg2896Trp]ELRLEVIARG

ClinVar aggregate classification (germline): Uncertain significance. Review status: criteria provided, multiple submitters, no conflicts (2 of 4 stars). 2 submissions from 2 submitters: Uncertain significance (2). Last evaluated 2025-11-22.

Conditions:
Inborn genetic diseases. Identifiers: MedGen C0950123, MeSH D030342.

Allele frequency attached by ClinVar (database versions not stated): gnomAD 0.00002; TOPMed 0.00002; ExAC 0.00010.
gnomAD v4.1: 41 of 1,571,194 alleles (0.0026%); highest among the groups gnomAD compares: South Asian, 0.01%; no homozygotes.

Submissions (2):

Labcorp Genetics (formerly Invitae), Labcorp
Classification: Uncertain significance. Last evaluated: 2025-11-22. Review status: criteria provided, single submitter. Criteria: Invitae Variant Classification Sherloc (09022015). Collection method: clinical testing. Allele origin: germline.
Comment: This sequence change replaces arginine, which is basic and polar, with tryptophan, which is neutral and slightly polar, at codon 2896 of the DCHS1 protein (p.Arg2896Trp). This variant is present in population databases (rs751381215, gnomAD 0.02%). This variant has not been reported in the literature in individuals affected with DCHS1-related conditions. ClinVar contains an entry for this variant (Variation ID: 3080459). Invitae Evidence Modeling of protein sequence and biophysical properties (such as structural, functional, and spatial information, amino acid conservation, physicochemical variation, residue mobility, and thermodynamic stability) indicates that this missense variant is not expected to disrupt DCHS1 protein function with a negative predictive value of 80%. In summary, the available evidence is currently insufficient to determine the role of this variant in disease. Therefore, it has been classified as a Variant of Uncertain Significance.

Ambry Genetics
Classification: Uncertain significance for Inborn genetic diseases. Last evaluated: 2024-01-31. Review status: criteria provided, single submitter. Criteria: Ambry Variant Classification Scheme 2023. Collection method: clinical testing. Allele origin: germline.